The following is an entry in ClinVar:

ClinVar aggregate classification (germline): Likely benign (0 of 4 stars; one submission).

Conditions:
KSR2-related disorder. Also called: KSR2-related condition.

gnomAD v4.1: 1 of 1,613,840 alleles (0.000062%); highest among the groups gnomAD compares: Non-Finnish European, 0.000085%; no homozygotes.

Submission:

PreventionGenetics, part of Exact Sciences
Classification: Likely benign for KSR2-related condition. Last evaluated: 2024-07-03. Review status: no assertion criteria provided. Collection method: clinical testing. Allele origin: germline.
Comment: This variant is classified as likely benign based on ACMG/AMP sequence variant interpretation guidelines (Richards et al. 2015 PMID: 25741868, with internal and published modifications).

NM_173598.6(KSR2):c.279G>A (p.Arg93=)

Gene: KSR2 (kinase suppressor of ras 2; minus strand). Cytogenetic location: 12q24.23.
Variant type: single nucleotide variant.
Coding change: c.279G>A on transcript NM_173598.6 (MANE Select); coding-DNA position 279, G replaced by A.
Protein change: p.Arg93=; no amino-acid change (arginine 93 retained).
Molecular consequence: synonymous variant.
Genome position (GRCh38, 1-based): chr12:117,860,333, C>T on the plus strand (G>A on the coding strand, the complement: KSR2 is on the minus strand). VCF-style: chr12-117860333-C-T. GRCh37 (hg19) VCF-style: chr12-118298138-C-T.
Identifiers: ClinVar variation 3357850 (VCV003357850.1).